The following is an entry in ClinVar:

ClinVar aggregate classification (germline): Uncertain significance. Review status: criteria provided, multiple submitters, no conflicts (2 of 4 stars). 2 submissions from 2 submitters: Uncertain significance (2). Last evaluated 2025-09-02.

Conditions:
Epidermolysis bullosa simplex with nail dystrophy (EBS5D). Identifiers: MedGen C4225309, MONDO:0014661, OMIM 616487.
Epidermolysis bullosa simplex 5B, with muscular dystrophy (EBS5B). Also called: EPIDERMOLYSIS BULLOSA SIMPLEX AND LIMB-GIRDLE MUSCULAR DYSTROPHY; Epidermolysis bullosa simplex with muscular dystrophy. Identifiers: Orphanet 257, MedGen C2931072, MONDO:0009181, OMIM 226670.
Epidermolysis bullosa simplex, Ogna type (EBS5A). Also called: Pidermolysis bullosa simplex 5A, Ogna type; EPIDERMOLYSIS BULLOSA SIMPLEX 5A, OGNA TYPE. Identifiers: Orphanet 79401, MedGen C0432317, MONDO:0007555, OMIM 131950.
Epidermolysis bullosa simplex 5C, with pyloric atresia (EBS5C). Also called: Epidermolysis bullosa simplex with pyloric atresia; PLEC-Related Epidermolysis Bullosa with Pyloric Atresia; PLEC1-Related Epidermolysis Bullosa with Pyloric Atresia. Identifiers: Orphanet 158684, MedGen C2677349, MONDO:0012807, OMIM 612138.
Autosomal recessive limb-girdle muscular dystrophy type 2Q (LGMDR17). Also called: MUSCULAR DYSTROPHY, LIMB-GIRDLE, AUTOSOMAL RECESSIVE 17. Identifiers: Orphanet 254361, MedGen C3150989, MONDO:0013390, OMIM 613723.

Allele frequency attached by ClinVar (database versions not stated): gnomAD exomes 0.00001; TOPMed 0.00001.
gnomAD v4.1: 4 of 1,613,446 alleles (0.00025%); highest among the groups gnomAD compares: Admixed American, 0.005%; no homozygotes.

Submissions (2):

Labcorp Genetics (formerly Invitae), Labcorp
Classification: Uncertain significance for Autosomal recessive limb-girdle muscular dystrophy type 2Q; Epidermolysis bullosa simplex, Ogna type; Epidermolysis bullosa simplex with nail dystrophy; Epidermolysis bullosa simplex 5C, with pyloric atresia; Epidermolysis bullosa simplex 5B, with muscular dystrophy. Last evaluated: 2025-09-02. Review status: criteria provided, single submitter. Criteria: Invitae Variant Classification Sherloc (09022015). Collection method: clinical testing. Allele origin: germline.
Comment: This sequence change replaces glutamic acid, which is acidic and polar, with lysine, which is basic and polar, at codon 3321 of the PLEC protein (p.Glu3321Lys). This variant is present in population databases (no rsID available, gnomAD 0.009%). This variant has not been reported in the literature in individuals affected with PLEC-related conditions. ClinVar contains an entry for this variant (Variation ID: 2190265). An algorithm developed to predict the effect of missense changes on protein structure and function (PolyPhen-2) suggests that this variant is likely to be disruptive. In summary, the available evidence is currently insufficient to determine the role of this variant in disease. Therefore, it has been classified as a Variant of Uncertain Significance.

Revvity Omics, Revvity
Classification: Uncertain significance. Last evaluated: 2020-06-26. Review status: criteria provided, single submitter. Criteria: ACMG Guidelines, 2015. Collection method: clinical testing. Allele origin: germline.

NM_201384.3(PLEC):c.9880G>A (p.Glu3294Lys)

Gene: PLEC (plectin; minus strand). Cytogenetic location: 8q24.3.
Variant type: single nucleotide variant.
Coding change: c.9880G>A on transcript NM_201384.3 (MANE Select); coding-DNA position 9880, G replaced by A.
Protein change: p.Glu3294Lys; replaces glutamic acid 3294 with lysine.
Molecular consequence: missense variant.
Genome position (GRCh38, 1-based): chr8:143,919,941, C>T on the plus strand (G>A on the coding strand, the complement: PLEC is on the minus strand). VCF-style: chr8-143919941-C-T. GRCh37 (hg19) VCF-style: chr8-144994109-C-T.
Other names: c.9961G>A (NM_000445.3); c.9961G>A, p.Glu3321Lys (NM_000445.5); c.6580G>A, p.Glu2194Lys (NM_001410941.1); c.9838G>A, p.Glu3280Lys (NM_201378.4); c.9814G>A, p.Glu3272Lys (NM_201379.3); c.10291G>A, p.Glu3431Lys (NM_201380.4); c.9784G>A, p.Glu3262Lys (NM_201381.3); c.9880G>A, p.Glu3294Lys (NM_201382.4); and 1 more; short protein forms E2194K, E3298K, E3272K, E3280K, E3431K, E3294K, E3262K, E3321K.
Identifiers: ClinVar variation 2190265 (VCV002190265.7), dbSNP rs1233373348, ClinGen allele CA372506058.